The following is an entry in ClinVar:

ClinVar aggregate classification (germline): Uncertain significance (1 of 4 stars; one submission).

Conditions:
Primary ciliary dyskinesia 28. Also called: CILIARY DYSKINESIA, PRIMARY, 28, WITH OR WITHOUT SITUS INVERSUS. Identifiers: Orphanet 244, MedGen C3809706, MONDO:0014216, OMIM 615505.

gnomAD v4.1: 36 of 1,602,056 alleles (0.0022%); highest among the groups gnomAD compares: East Asian, 0.076%; no homozygotes.

Submission:

Labcorp Genetics (formerly Invitae), Labcorp
Classification: Uncertain significance for Primary ciliary dyskinesia 28. Last evaluated: 2020-10-06. Review status: criteria provided, single submitter. Criteria: Invitae Variant Classification Sherloc (09022015). Collection method: clinical testing. Allele origin: germline.
Comment: This sequence change replaces aspartic acid with asparagine at codon 742 of the SPAG1 protein (p.Asp742Asn). The aspartic acid residue is weakly conserved and there is a small physicochemical difference between aspartic acid and asparagine. This variant is present in population databases (rs754229235, ExAC 0.07%). This variant has not been reported in the literature in individuals with SPAG1-related conditions. Algorithms developed to predict the effect of missense changes on protein structure and function output the following: SIFT: "Tolerated"; PolyPhen-2: "Benign"; Align-GVGD: "Class C0". The asparagine amino acid residue is found in multiple mammalian species, suggesting that this missense change does not adversely affect protein function. These predictions have not been confirmed by published functional studies and their clinical significance is uncertain. In summary, the available evidence is currently insufficient to determine the role of this variant in disease. Therefore, it has been classified as a Variant of Uncertain Significance.

NM_003114.5(SPAG1):c.2224G>A (p.Asp742Asn)

Gene: SPAG1 (sperm associated antigen 1; plus strand). Cytogenetic location: 8q22.2.
Variant type: single nucleotide variant.
Coding change: c.2224G>A on transcript NM_003114.5 (MANE Select); coding-DNA position 2224, G replaced by A.
Protein change: p.Asp742Asn; replaces aspartic acid 742 with asparagine.
Molecular consequence: missense variant.
Genome position (GRCh38, 1-based): chr8:100,239,348, G>A. VCF-style: chr8-100239348-G-A. GRCh37 (hg19) VCF-style: chr8-101251576-G-A.
Other names: c.2224G>A, p.Asp742Asn (NM_001374321.1, NM_172218.3); short protein forms D742N.
Identifiers: ClinVar variation 971344 (VCV000971344.9), dbSNP rs754229235, ClinGen allele CA4827698.